The following is an entry in ClinVar:

ClinVar aggregate classification (germline): Uncertain significance (1 of 4 stars; one submission).

Allele frequency attached by ClinVar (database versions not stated): gnomAD 0.00001.
gnomAD v4.1: 5 of 1,604,826 alleles (0.00031%); highest among the groups gnomAD compares: Non-Finnish European, 0.00043%; no homozygotes.

Submission:

Labcorp Genetics (formerly Invitae), Labcorp
Classification: Uncertain significance. Last evaluated: 2023-05-01. Review status: criteria provided, single submitter. Criteria: Invitae Variant Classification Sherloc (09022015). Collection method: clinical testing. Allele origin: germline.
Comment: In summary, the available evidence is currently insufficient to determine the role of this variant in disease. Therefore, it has been classified as a Variant of Uncertain Significance. Advanced modeling of protein sequence and biophysical properties (such as structural, functional, and spatial information, amino acid conservation, physicochemical variation, residue mobility, and thermodynamic stability) has been performed at Invitae for this missense variant, however the output from this modeling did not meet the statistical confidence thresholds required to predict the impact of this variant on PNLIP protein function. This variant has not been reported in the literature in individuals affected with PNLIP-related conditions. This variant is not present in population databases (gnomAD no frequency). This sequence change replaces leucine, which is neutral and non-polar, with methionine, which is neutral and non-polar, at codon 363 of the PNLIP protein (p.Leu363Met).

NM_000936.4(PNLIP):c.1087C>A (p.Leu363Met)

Gene: PNLIP (pancreatic lipase; plus strand). Cytogenetic location: 10q25.3.
Variant type: single nucleotide variant.
Coding change: c.1087C>A on transcript NM_000936.4 (MANE Select); coding-DNA position 1087, C replaced by A.
Protein change: p.Leu363Met; replaces leucine 363 with methionine.
Molecular consequence: missense variant.
Genome position (GRCh38, 1-based): chr10:116,560,442, C>A. VCF-style: chr10-116560442-C-A. GRCh37 (hg19) VCF-style: chr10-118319954-C-A.
Other names: short protein forms L363M.
Identifiers: ClinVar variation 2904461 (VCV002904461.3), dbSNP rs780300295, ClinGen allele CA5706689.